The following is an entry in ClinVar:

NM_001253852.3(AP4B1):c.470-6T>G

Gene: AP4B1 (adaptor related protein complex 4 subunit beta 1; minus strand). Cytogenetic location: 1p13.2.
Variant type: single nucleotide variant.
Coding change: c.470-6T>G on transcript NM_001253852.3 (MANE Select); 6 bases into the intron before coding-DNA position 470, T replaced by G.
Molecular consequence: intron variant.
Genome position (GRCh38, 1-based): chr1:113,901,389, A>C on the plus strand (T>G on the coding strand, the complement: AP4B1 is on the minus strand). VCF-style: chr1-113901389-A-C. GRCh37 (hg19) VCF-style: chr1-114444011-A-C.
Other names: c.173-6T>G (NM_001253853.3); c.470-6T>G (NM_006594.5, NM_006594.2); c.114-989T>G (NM_001308312.2).
Identifiers: ClinVar variation 2173709 (VCV002173709.6), dbSNP rs372267004, ClinGen allele CA1005947060.

ClinVar aggregate classification (germline): Uncertain significance. Review status: criteria provided, multiple submitters, no conflicts (2 of 4 stars). 3 submissions from 3 submitters: Uncertain significance (3). Last evaluated 2023-04-11.

Conditions:
Inborn genetic diseases. Identifiers: MedGen C0950123, MeSH D030342.
Hereditary spastic paraplegia 47. Also called: CEREBRAL PALSY, SPASTIC QUADRIPLEGIC, 5; adaptor protein 4 (AP-4) deficiency syndrome; Spastic paraplegia 47, autosomal recessive. Identifiers: Orphanet 280763, MedGen C3279738, MONDO:0013551, OMIM 614066.

Allele frequency attached by ClinVar (database versions not stated): gnomAD exomes below 0.00001; gnomAD 0.00001.
gnomAD v4.1: 2 of 1,613,674 alleles (0.00012%); highest among the groups gnomAD compares: Admixed American, 0.0017%; no homozygotes.

Submissions (3):

Genome-Nilou Lab
Classification: Uncertain significance for Hereditary spastic paraplegia 47. Last evaluated: 2023-04-11. Review status: criteria provided, single submitter. Criteria: ACMG Guidelines, 2015. Collection method: clinical testing. Allele origin: germline. Affected: no.

Labcorp Genetics (formerly Invitae), Labcorp
Classification: Uncertain significance for Hereditary spastic paraplegia 47. Last evaluated: 2022-07-11. Review status: criteria provided, single submitter. Criteria: Invitae Variant Classification Sherloc (09022015). Collection method: clinical testing. Allele origin: germline.
Comment: This sequence change falls in intron 4 of the AP4B1 gene. It does not directly change the encoded amino acid sequence of the AP4B1 protein. This variant is not present in population databases (gnomAD no frequency). Algorithms developed to predict the effect of sequence changes on RNA splicing suggest that this variant may disrupt the consensus splice site. This variant has not been reported in the literature in individuals affected with AP4B1-related conditions. In summary, the available evidence is currently insufficient to determine the role of this variant in disease. Therefore, it has been classified as a Variant of Uncertain Significance.

Ambry Genetics
Classification: Uncertain significance for Inborn genetic diseases. Last evaluated: 2022-06-23. Review status: criteria provided, single submitter. Criteria: Ambry Variant Classification Scheme 2023. Collection method: clinical testing. Allele origin: germline.
Comment: The c.470-6T>G intronic alteration consists of a T to G substitution 6 nucleotides before coding exon 4 in the AP4B1 gene. Based on insufficient or conflicting evidence, the clinical significance of this alteration remains unclear.